The following is an entry in ClinVar:

NM_019074.4(DLL4):c.1099G>A (p.Ala367Thr)

Gene: DLL4 (delta like canonical Notch ligand 4; plus strand). Cytogenetic location: 15q15.1.
Variant type: single nucleotide variant.
Coding change: c.1099G>A on transcript NM_019074.4 (MANE Select); coding-DNA position 1099, G replaced by A.
Protein change: p.Ala367Thr; replaces alanine 367 with threonine.
Molecular consequence: missense variant.
Genome position (GRCh38, 1-based): chr15:40,934,976, G>A. VCF-style: chr15-40934976-G-A. GRCh37 (hg19) VCF-style: chr15-41227174-G-A.
Other names: short protein forms A367T.
Identifiers: ClinVar variation 4750547 (VCV004750547.1).
Genomic context (GRCh38, chr15:40,934,976, plus strand): 5'-CACTGCCTGTGTCCTCCGGGCTACTATGGCCTGCATTGTGAACACAGCACCTTGAGCTGC[G>A]CCGACTCCCCCTGCTTCAATGGGGGCTCCTGCCGGGAGCGCAACCAGGGGGCCAACTATG-3'
Protein context (NP_061947.1, residues 357-377): LHCEHSTLSC[Ala367Thr]DSPCFNGGSC

ClinVar aggregate classification (germline): Uncertain significance (1 of 4 stars; one submission).

Submission:

Labcorp Genetics (formerly Invitae), Labcorp
Classification: Uncertain significance. Last evaluated: 2025-09-23. Review status: criteria provided, single submitter. Criteria: Invitae Variant Classification Sherloc (09022015). Collection method: clinical testing. Allele origin: germline.
Comment: This sequence change replaces alanine, which is neutral and non-polar, with threonine, which is neutral and polar, at codon 367 of the DLL4 protein (p.Ala367Thr). This variant is present in population databases (rs762561784, gnomAD 0.008%). This variant has not been reported in the literature in individuals affected with DLL4-related conditions. Invitae Evidence Modeling of protein sequence and biophysical properties (such as structural, functional, and spatial information, amino acid conservation, physicochemical variation, residue mobility, and thermodynamic stability) indicates that this missense variant is not expected to disrupt DLL4 protein function with a negative predictive value of 80%. In summary, the available evidence is currently insufficient to determine the role of this variant in disease. Therefore, it has been classified as a Variant of Uncertain Significance.